The following is an entry in ClinVar:

NM_021831.6(AGBL5):c.1754G>A (p.Ser585Asn)

Gene: AGBL5 (AGBL carboxypeptidase 5; plus strand). Cytogenetic location: 2p23.3.
Variant type: single nucleotide variant.
Coding change: c.1754G>A on transcript NM_021831.6 (MANE Select); coding-DNA position 1754, G replaced by A.
Protein change: p.Ser585Asn; replaces serine 585 with asparagine.
Molecular consequence: missense variant. On other transcripts: non-coding transcript variant (2).
Genome position (GRCh38, 1-based): chr2:27,058,482, G>A. VCF-style: chr2-27058482-G-A. GRCh37 (hg19) VCF-style: chr2-27281350-G-A.
Other names: c.1754G>A, p.Ser585Asn (NM_001035507.3); short protein forms S585N.
Identifiers: ClinVar variation 855712 (VCV000855712.12), dbSNP rs752231743, ClinGen allele CA1567957.

ClinVar aggregate classification (germline): Uncertain significance. Review status: criteria provided, multiple submitters, no conflicts (2 of 4 stars). 3 submissions from 3 submitters: Uncertain significance (3). Last evaluated 2024-04-09.

Conditions:
Inborn genetic diseases. Identifiers: MedGen C0950123, MeSH D030342.

Allele frequency attached by ClinVar (database versions not stated): gnomAD exomes 0.00004 and 0.00012; ExAC 0.00005; gnomAD 0.00009; TOPMed 0.00011.

Submissions (3):

Blueprint Genetics
Classification: Uncertain significance. Last evaluated: 2024-04-09. Review status: criteria provided, single submitter. Criteria: ACMG Guidelines, 2015. Collection method: clinical testing. Allele origin: germline.

Labcorp Genetics (formerly Invitae), Labcorp
Classification: Uncertain significance. Last evaluated: 2024-02-17. Review status: criteria provided, single submitter. Criteria: Invitae Variant Classification Sherloc (09022015). Collection method: clinical testing. Allele origin: germline.
Comment: This sequence change replaces serine, which is neutral and polar, with asparagine, which is neutral and polar, at codon 585 of the AGBL5 protein (p.Ser585Asn). This variant is present in population databases (rs752231743, gnomAD 0.009%). This variant has not been reported in the literature in individuals affected with AGBL5-related conditions. ClinVar contains an entry for this variant (Variation ID: 855712). An algorithm developed to predict the effect of missense changes on protein structure and function (PolyPhen-2) suggests that this variant¬†is likely to be tolerated. In summary, the available evidence is currently insufficient to determine the role of this variant in disease. Therefore, it has been classified as a Variant of Uncertain Significance.

Ambry Genetics
Classification: Uncertain significance for Inborn genetic diseases. Last evaluated: 2023-04-26. Review status: criteria provided, single submitter. Criteria: Ambry Variant Classification Scheme 2023. Collection method: clinical testing. Allele origin: germline.